The following is an entry in ClinVar:

ClinVar aggregate classification (germline): Uncertain significance (1 of 4 stars; one submission).

gnomAD v4.1: 1 of 1,613,796 alleles (0.000062%); highest among the groups gnomAD compares: Non-Finnish European, 0.000085%; no homozygotes.

Submission:

Ambry Genetics
Classification: Uncertain significance. Last evaluated: 2021-07-18. Review status: criteria provided, single submitter. Criteria: Ambry Variant Classification Scheme 2023. Collection method: clinical testing. Allele origin: germline.
Comment: The p.T263R variant (also known as c.788C>G), located in coding exon 6 of the RECQL gene, results from a C to G substitution at nucleotide position 788. The threonine at codon 263 is replaced by arginine, an amino acid with similar properties. This amino acid position is conserved. In addition, this alteration is predicted to be tolerated by in silico analysis. Since supporting evidence is limited at this time, the clinical significance of this alteration remains unclear.

NM_002907.4(RECQL):c.788C>G (p.Thr263Arg)

Gene: RECQL (RecQ like helicase; minus strand). Cytogenetic location: 12p12.1.
Variant type: single nucleotide variant.
Coding change: c.788C>G on transcript NM_002907.4 (MANE Select); coding-DNA position 788, C replaced by G.
Protein change: p.Thr263Arg; replaces threonine 263 with arginine.
Molecular consequence: missense variant.
Genome position (GRCh38, 1-based): chr12:21,477,882, G>C on the plus strand (C>G on the coding strand, the complement: RECQL is on the minus strand). VCF-style: chr12-21477882-G-C. GRCh37 (hg19) VCF-style: chr12-21630816-G-C.
Other names: c.788C>G, p.Thr263Arg (NM_032941.3); short protein forms T263R.
Identifiers: ClinVar variation 1761036 (VCV001761036.2), dbSNP rs773948800, ClinGen allele CA384124553.